The following is an entry in ClinVar:

ClinVar aggregate classification (germline): Uncertain significance (1 of 4 stars; one submission).

Conditions:
Inborn genetic diseases. Identifiers: MedGen C0950123, MeSH D030342.

Submission:

Ambry Genetics
Classification: Uncertain significance for Inborn genetic diseases. Last evaluated: 2025-10-22. Review status: criteria provided, single submitter. Criteria: Ambry Variant Classification Scheme 2023. Collection method: clinical testing. Allele origin: germline.
Comment: The p.K1583N variant (also known as c.4749G>C), located in coding exon 19 of the FANCM gene, results from a G to C substitution at nucleotide position 4749. The lysine at codon 1583 is replaced by asparagine, an amino acid with similar properties. This amino acid position is conserved. In addition, this alteration is predicted to be tolerated by in silico analysis. Based on the available evidence, the clinical significance of this variant remains unclear.

NM_020937.4(FANCM):c.4749G>C (p.Lys1583Asn)

Gene: FANCM (FA complementation group M; plus strand). Cytogenetic location: 14q21.2.
Variant type: single nucleotide variant.
Coding change: c.4749G>C on transcript NM_020937.4 (MANE Select); coding-DNA position 4749, G replaced by C.
Protein change: p.Lys1583Asn; replaces lysine 1583 with asparagine.
Molecular consequence: missense variant.
Genome position (GRCh38, 1-based): chr14:45,187,857, G>C. VCF-style: chr14-45187857-G-C. GRCh37 (hg19) VCF-style: chr14-45657060-G-C.
Other names: c.4671G>C, p.Lys1557Asn (NM_001308133.2); short protein forms K1557N, K1583N.
Identifiers: ClinVar variation 4619507 (VCV004619507.1).